The following is an entry in ClinVar:

ClinVar aggregate classification (germline): Benign/Likely benign. Review status: criteria provided, multiple submitters, no conflicts (2 of 4 stars). 5 submissions from 5 submitters: Benign (1); Likely benign (1). 3 of the submissions do not count toward it. Last evaluated 2025-12-06.

Conditions:
CAPN5-related disorder. Also called: CAPN5-related condition.

Allele frequency attached by ClinVar (database versions not stated): ExAC 0.00052; gnomAD exomes 0.00056 and 0.00132; gnomAD 0.00072 and 0.00074; TOPMed 0.00090; ESP Exome Variant Server 0.00092.
gnomAD v4.1: 2,015 of 1,613,966 alleles (0.12%); highest among the groups gnomAD compares: Non-Finnish European, 0.16%; 2 homozygotes.

Submissions (5):

Labcorp Genetics (formerly Invitae), Labcorp
Classification: Benign. Last evaluated: 2025-12-06. Review status: criteria provided, single submitter. Criteria: Invitae Variant Classification Sherloc (09022015). Collection method: clinical testing. Allele origin: germline.

Blueprint Genetics
Classification: Likely benign. Last evaluated: 2024-11-21. Review status: criteria provided, single submitter. Criteria: ACMG Guidelines, 2015. Collection method: clinical testing. Allele origin: germline.

PreventionGenetics, part of Exact Sciences
Classification: Likely benign for CAPN5-related condition. Last evaluated: 2020-08-14. Review status: no assertion criteria provided. Collection method: clinical testing. Allele origin: germline. Not counted in ClinVar's aggregate classification.
Comment: This variant is classified as likely benign based on ACMG/AMP sequence variant interpretation guidelines (Richards et al. 2015 PMID: 25741868, with internal and published modifications).

Clinical Genetics DNA and cytogenetics Diagnostics Lab, Erasmus MC, Erasmus Medical Center
Classification: Likely benign. Review status: no assertion criteria provided. Collection method: clinical testing. Allele origin: germline. Affected: yes. Study: VKGL Data-share Consensus. Not counted in ClinVar's aggregate classification.

Clinical Genetics, Academic Medical Center
Classification: Likely benign. Review status: no assertion criteria provided. Collection method: clinical testing. Allele origin: germline. Affected: yes. Study: VKGL Data-share Consensus. Not counted in ClinVar's aggregate classification.

NM_004055.5(CAPN5):c.21C>G (p.Pro7=)

Gene: CAPN5 (calpain 5; plus strand). Cytogenetic location: 11q13.5.
Variant type: single nucleotide variant.
Coding change: c.21C>G on transcript NM_004055.5 (MANE Select); coding-DNA position 21, C replaced by G.
Protein change: p.Pro7=; no amino-acid change (proline 7 retained).
Molecular consequence: synonymous variant.
Genome position (GRCh38, 1-based): chr11:77,084,907, C>G. VCF-style: chr11-77084907-C-G. GRCh37 (hg19) VCF-style: chr11-76795953-C-G.
Other names: c.21C>G (NM_004055.4).
Identifiers: ClinVar variation 1168849 (VCV001168849.15), dbSNP rs141606826, ClinGen allele CA6196067.
Genomic context (GRCh38, chr11:77,084,907, plus strand): 5'-TCCAGGTGTTCCCCCTCCCCTCCCTGGGGCAGCAGCCACCATGTTCTCGTGTGTGAAGCC[C>G]TATGAGGACCAGAACTACTCAGCCCTGAGGCGGGACTGCCGGCGCAGGAAGGTGCTCTTC-3'
Protein context (NP_004046.2, residues 1-17): MFSCVK[Pro7=]YEDQNYSALR